The following is an entry in ClinVar:

NM_174936.4(PCSK9):c.1390C>G (p.His464Asp)

Gene: PCSK9 (proprotein convertase subtilisin/kexin type 9; plus strand). Cytogenetic location: 1p32.3.
Variant type: single nucleotide variant.
Coding change: c.1390C>G on transcript NM_174936.4 (MANE Select); coding-DNA position 1390, C replaced by G.
Protein change: p.His464Asp; replaces histidine 464 with aspartic acid.
Molecular consequence: missense variant.
Genome position (GRCh38, 1-based): chr1:55,058,534, C>G. VCF-style: chr1-55058534-C-G. GRCh37 (hg19) VCF-style: chr1-55524207-C-G.
Other names: c.1513C>G, p.His505Asp (NM_001407240.1); c.1390C>G, p.His464Asp (NM_001407241.1); c.1393C>G, p.His465Asp (NM_001407242.1); c.1333C>G, p.His445Asp (NM_001407243.1); c.1216C>G, p.His406Asp (NM_001407244.1); c.1198C>G, p.His400Asp (NM_001407245.1); c.1015C>G, p.His339Asp (NM_001407246.1); short protein forms H400D, H445D, H339D, H406D, H505D, H464D, H465D.
Identifiers: ClinVar variation 1771540 (VCV001771540.4), dbSNP rs2523262974, ClinGen allele CA340478735.
Genomic context (GRCh38, chr1:55,058,534, plus strand): 5'-TCCTCATCCCAGGCCCTTTTTGCAGGTTGGCAGCTGTTTTGCAGGACTGTATGGTCAGCA[C>G]ACTCGGGGCCTACACGGATGGCCACAGCCGTCGCCCGCTGCGCCCCAGATGAGGAGCTGC-3'
Protein context (NP_777596.2, residues 454-474): QLFCRTVWSA[His464Asp]SGPTRMATAV

ClinVar aggregate classification (germline): Uncertain significance. Review status: criteria provided, multiple submitters, no conflicts (2 of 4 stars). 2 submissions from 2 submitters: Uncertain significance (2). Last evaluated 2024-08-27.

Conditions:
Cardiovascular phenotype. Identifiers: MedGen CN230736.
Hypercholesterolemia, autosomal dominant, 3 (FHCL3). Also called: Familial Hypercholesterolemia, Autosomal Dominant, 3; PCSK9-Related Familial Hypercholesterolemia, Autosomal Dominant; Familial hypercholesterolemia 3. Identifiers: MedGen C1863551, MONDO:0011369, OMIM 603776.

Submissions (2):

Labcorp Genetics (formerly Invitae), Labcorp
Classification: Uncertain significance for Hypercholesterolemia, autosomal dominant, 3. Last evaluated: 2024-08-27. Review status: criteria provided, single submitter. Criteria: Invitae Variant Classification Sherloc (09022015). Collection method: clinical testing. Allele origin: germline.
Comment: This sequence change replaces histidine, which is basic and polar, with aspartic acid, which is acidic and polar, at codon 464 of the PCSK9 protein (p.His464Asp). This variant is not present in population databases (gnomAD no frequency). This variant has not been reported in the literature in individuals affected with PCSK9-related conditions. ClinVar contains an entry for this variant (Variation ID: 1771540). Invitae Evidence Modeling of protein sequence and biophysical properties (such as structural, functional, and spatial information, amino acid conservation, physicochemical variation, residue mobility, and thermodynamic stability) indicates that this missense variant is not expected to disrupt PCSK9 protein function with a negative predictive value of 80%. In summary, the available evidence is currently insufficient to determine the role of this variant in disease. Therefore, it has been classified as a Variant of Uncertain Significance.

Ambry Genetics
Classification: Uncertain significance for Cardiovascular phenotype. Last evaluated: 2022-07-11. Review status: criteria provided, single submitter. Criteria: Ambry Variant Classification Scheme 2023. Collection method: clinical testing. Allele origin: germline.
Comment: The p.H464D variant (also known as c.1390C>G), located in coding exon 9 of the PCSK9 gene, results from a C to G substitution at nucleotide position 1390. The histidine at codon 464 is replaced by aspartic acid, an amino acid with similar properties. This amino acid position is conserved. In addition, this alteration is predicted to be tolerated by in silico analysis. Since supporting evidence is limited at this time, the clinical significance of this alteration remains unclear.